The following is an entry in ClinVar:

NM_001142800.2(EYS):c.6889A>G (p.Lys2297Glu)

Gene: EYS (eyes shut homolog; minus strand). Cytogenetic location: 6q12.
Variant type: single nucleotide variant.
Coding change: c.6889A>G on transcript NM_001142800.2 (MANE Select); coding-DNA position 6889, A replaced by G.
Protein change: p.Lys2297Glu; replaces lysine 2297 with glutamic acid.
Molecular consequence: missense variant.
Genome position (GRCh38, 1-based): chr6:63,984,549, T>C on the plus strand (A>G on the coding strand, the complement: EYS is on the minus strand). VCF-style: chr6-63984549-T-C. GRCh37 (hg19) VCF-style: chr6-64694442-T-C.
Other names: c.6889A>G, p.Lys2297Glu (NM_001292009.2); short protein forms K2297E.
Identifiers: ClinVar variation 2141336 (VCV002141336.1), dbSNP rs1370813576, ClinGen allele CA364388953.
Genomic context (GRCh38, chr6:63,984,549, plus strand): 5'-TGTTGTTTACTTGAAGGTCTAGAATGCAGCCCCTGAACCCATAAACAGGACCTGCTTTCT[T>C]ATGAATTTGAACATTTGCAGGAATATGGCCAAGGAACATTGATTCAAAATATGCCTGTAG-3'
Protein context (NP_001136272.1, residues 2287-2307): GHIPANVQIH[Lys2297Glu]KAGPVYGFRG

ClinVar aggregate classification (germline): Uncertain significance (1 of 4 stars; one submission).

Allele frequency attached by ClinVar (database versions not stated): gnomAD exomes below 0.00001; TOPMed below 0.00001.
gnomAD v4.1: 7 of 1,549,724 alleles (0.00045%); highest among the groups gnomAD compares: African/African-American, 0.0014%; no homozygotes.

Submission:

Labcorp Genetics (formerly Invitae), Labcorp
Classification: Uncertain significance. Last evaluated: 2022-09-23. Review status: criteria provided, single submitter. Criteria: Invitae Variant Classification Sherloc (09022015). Collection method: clinical testing. Allele origin: germline.
Comment: This sequence change replaces lysine, which is basic and polar, with glutamic acid, which is acidic and polar, at codon 2297 of the EYS protein (p.Lys2297Glu). This variant is present in population databases (no rsID available, gnomAD 0.002%). This variant has not been reported in the literature in individuals affected with EYS-related conditions. Algorithms developed to predict the effect of missense changes on protein structure and function output the following: SIFT: "Tolerated"; PolyPhen-2: "Benign"; Align-GVGD: "Class C0". The glutamic acid amino acid residue is found in multiple mammalian species, which suggests that this missense change does not adversely affect protein function. In summary, the available evidence is currently insufficient to determine the role of this variant in disease. Therefore, it has been classified as a Variant of Uncertain Significance.